The following is an entry in ClinVar:

NM_004369.4(COL6A3):c.6370C>T (p.Pro2124Ser)

Gene: COL6A3 (collagen type VI alpha 3 chain; minus strand). Cytogenetic location: 2q37.3.
Variant type: single nucleotide variant.
Coding change: c.6370C>T on transcript NM_004369.4 (MANE Select); coding-DNA position 6370, C replaced by T.
Protein change: p.Pro2124Ser; replaces proline 2124 with serine.
Molecular consequence: missense variant.
Genome position (GRCh38, 1-based): chr2:237,359,073, G>A on the plus strand (C>T on the coding strand, the complement: COL6A3 is on the minus strand). VCF-style: chr2-237359073-G-A. GRCh37 (hg19) VCF-style: chr2-238267716-G-A.
Other names: c.4549C>T, p.Pro1517Ser (NM_057166.5); c.5752C>T, p.Pro1918Ser (NM_057167.4); short protein forms P1517S, P1918S, P2124S.
Identifiers: ClinVar variation 3367635 (VCV003367635.2).

ClinVar aggregate classification (germline): Uncertain significance. Review status: criteria provided, multiple submitters, no conflicts (2 of 4 stars). 2 submissions from 2 submitters: Uncertain significance (2). Last evaluated 2025-01-22.

Submissions (2):

Revvity Omics, Revvity
Classification: Uncertain significance. Last evaluated: 2025-01-22. Review status: criteria provided, single submitter. Criteria: ACMG Guidelines, 2015. Collection method: clinical testing. Allele origin: germline.

GeneDx
Classification: Uncertain significance. Last evaluated: 2024-01-05. Review status: criteria provided, single submitter. Criteria: GeneDx Variant Classification Process June 2021. Collection method: clinical testing. Allele origin: germline. Affected: yes.
Comment: Not observed at significant frequency in large population cohorts (gnomAD); In silico analysis supports that this missense variant has a deleterious effect on protein structure/function; Has not been previously published as pathogenic or benign to our knowledge